The following is an entry in ClinVar:

ClinVar aggregate classification (germline): Benign (0 of 4 stars; one submission).

Conditions:
CHN2-related disorder. Also called: CHN2-related condition.

Allele frequency attached by ClinVar (database versions not stated): gnomAD exomes 0.00029; ExAC 0.00099; TOPMed 0.00259; 1000 Genomes Project 0.00379; 1000 Genomes Project 30x 0.00406; gnomAD 0.00218.
gnomAD v4.1: 771 of 1,550,864 alleles (0.05%); highest among the groups gnomAD compares: African/African-American, 0.81%; 1 homozygote.

Submission:

PreventionGenetics, part of Exact Sciences
Classification: Benign for CHN2-related condition. Last evaluated: 2019-10-28. Review status: no assertion criteria provided. Collection method: clinical testing. Allele origin: germline.
Comment: This variant is classified as benign based on ACMG/AMP sequence variant interpretation guidelines (Richards et al. 2015 PMID: 25741868, with internal and published modifications).

NM_001398427.1(CHN2):c.-501-8C>T

Genes: CHN2 (chimerin 2; plus strand), CPVL (carboxypeptidase vitellogenic like; minus strand). Cytogenetic location: 7p14.3.
Variant type: single nucleotide variant.
Coding change: c.-501-8C>T on transcript NM_001398427.1; 8 bases into the intron before 501 bases upstream of the start codon, C replaced by T.
Molecular consequence: intron variant.
Genome position (GRCh38, 1-based): chr7:29,146,841, C>T. VCF-style: chr7-29146841-C-T. GRCh37 (hg19) VCF-style: chr7-29186457-C-T.
Other names: NM_001293069.1:c.163-8C>T; c.-71-25770G>A (NM_001371268.1); c.-10-25770G>A (NM_001371258.1, NM_001371256.1, NM_001371261.1 and 8 more transcripts); c.-364-25770G>A (NM_001371266.1); c.-496-25770G>A (NM_001371265.1); c.-337-25770G>A (NM_001371267.1).
Identifiers: ClinVar variation 3039915 (VCV003039915.2), dbSNP rs151181647, ClinGen allele CA4201875.